The following is an entry in ClinVar:

ClinVar aggregate classification (germline): Uncertain significance (1 of 4 stars; one submission).

Conditions:
Carnitine palmitoyl transferase 1A deficiency. Also called: Carnitine palmitoyltransferase type I deficiency; CPT deficiency, hepatic, type IA; Carnitine palmitoyltransferase 1A deficiency; CPT I DEFICIENCY; CPT DEFICIENCY, HEPATIC, TYPE I. Identifiers: Orphanet 156, MedGen C1829703, MONDO:0009705, OMIM 255120.

Allele frequency attached by ClinVar (database versions not stated): gnomAD 0.00001.
gnomAD v4.1: 7 of 1,614,116 alleles (0.00043%); highest among the groups gnomAD compares: Non-Finnish European, 0.00059%; no homozygotes.

Submission:

Labcorp Genetics (formerly Invitae), Labcorp
Classification: Uncertain significance for Carnitine palmitoyl transferase 1A deficiency. Last evaluated: 2022-12-20. Review status: criteria provided, single submitter. Criteria: Invitae Variant Classification Sherloc (09022015). Collection method: clinical testing. Allele origin: germline.
Comment: In summary, the available evidence is currently insufficient to determine the role of this variant in disease. Therefore, it has been classified as a Variant of Uncertain Significance. Advanced modeling of protein sequence and biophysical properties (such as structural, functional, and spatial information, amino acid conservation, physicochemical variation, residue mobility, and thermodynamic stability) performed at Invitae indicates that this missense variant is not expected to disrupt CPT1A protein function. This variant has not been reported in the literature in individuals affected with CPT1A-related conditions. This variant is not present in population databases (gnomAD no frequency). This sequence change replaces proline, which is neutral and non-polar, with alanine, which is neutral and non-polar, at codon 510 of the CPT1A protein (p.Pro510Ala).

NM_001876.4(CPT1A):c.1528C>G (p.Pro510Ala)

Gene: CPT1A (carnitine palmitoyltransferase 1A; minus strand). Cytogenetic location: 11q13.3.
Variant type: single nucleotide variant.
Coding change: c.1528C>G on transcript NM_001876.4 (MANE Select); coding-DNA position 1528, C replaced by G.
Protein change: p.Pro510Ala; replaces proline 510 with alanine.
Molecular consequence: missense variant.
Genome position (GRCh38, 1-based): chr11:68,775,363, G>C on the plus strand (C>G on the coding strand, the complement: CPT1A is on the minus strand). VCF-style: chr11-68775363-G-C. GRCh37 (hg19) VCF-style: chr11-68542831-G-C.
Other names: c.1528C>G, p.Pro510Ala (NM_001031847.3); short protein forms P510A.
Identifiers: ClinVar variation 2912641 (VCV002912641.1), dbSNP rs1279443212, ClinGen allele CA381629790.